The following is an entry in ClinVar:

ClinVar aggregate classification (germline): Pathogenic. Review status: criteria provided, multiple submitters, no conflicts (2 of 4 stars). 3 submissions from 3 submitters: Pathogenic (2). 1 of the submissions does not count toward it. Last evaluated 2023-09-08.

Conditions:
Autosomal recessive nonsyndromic hearing loss 4 (DFNB4). Also called: Enlarged vestibular aqueduct, digenic; FOXI1-Related Pendred Syndrome; KCNJ10-Related Pendred Syndrome; DEAFNESS, AUTOSOMAL RECESSIVE 4, WITH ENLARGED VESTIBULAR AQUEDUCT, DIGENIC; Deafness, autosomal recessive 4; Nonsyndromic enlarged vestibular aqueduct (NSEVA). Identifiers: Orphanet 90636, MedGen C3538946, MONDO:0010933, OMIM 600791.
Pendred syndrome (PDS). Also called: DEAFNESS WITH GOITER; GOITER-DEAFNESS SYNDROME; Pendred Syndrome (PDS); HYPOTHYROIDISM, CONGENITAL, DUE TO DYSHORMONOGENESIS, 2B; THYROID DYSHORMONOGENESIS 2B; THYROID HORMONOGENESIS, GENETIC DEFECT IN, 2B. Identifiers: Orphanet 705, MedGen C0271829, MONDO:0010134, OMIM 274600.

Allele frequency attached by ClinVar (database versions not stated): gnomAD 0.00001.

Submissions (3):

Labcorp Genetics (formerly Invitae), Labcorp
Classification: Pathogenic. Last evaluated: 2023-09-08. Review status: criteria provided, single submitter. Criteria: Invitae Variant Classification Sherloc (09022015). Collection method: clinical testing. Allele origin: germline.
Comment: This sequence change creates a premature translational stop signal (p.Leu117Serfs*9) in the SLC26A4 gene. It is expected to result in an absent or disrupted protein product. Loss-of-function variants in SLC26A4 are known to be pathogenic (PMID: 16283880, 25394566, 26252218, 26445815). For these reasons, this variant has been classified as Pathogenic. ClinVar contains an entry for this variant (Variation ID: 551863). This premature translational stop signal has been observed in individual(s) with clinical features of Pendred syndrome (PMID: 17718863). This variant is present in population databases (no rsID available, gnomAD 0.06%).

Baylor Genetics
Classification: Pathogenic for Autosomal recessive nonsyndromic hearing loss 4. Last evaluated: 2023-06-19. Review status: criteria provided, single submitter. Criteria: ACMG Guidelines, 2015. Collection method: clinical testing. Allele origin: unknown.

Counsyl
Classification: Pathogenic for Pendred syndrome. Last evaluated: 2017-05-10. Review status: no assertion criteria provided. Collection method: clinical testing. Allele origin: unknown. Not counted in ClinVar's aggregate classification.

Literature cited by the submitters: PubMed 16283880 (cited by Labcorp Genetics (formerly Invitae), Labcorp); PubMed 25394566 (cited by Labcorp Genetics (formerly Invitae), Labcorp); PubMed 26252218 (cited by Labcorp Genetics (formerly Invitae), Labcorp); PubMed 26445815 (cited by Labcorp Genetics (formerly Invitae), Labcorp); PubMed 17718863 (cited by Labcorp Genetics (formerly Invitae), Labcorp and Counsyl); PubMed 25372295 (cited by Counsyl); PubMed 26100058 (cited by Counsyl).

NM_000441.2(SLC26A4):c.349del (p.Leu117fs)

Gene: SLC26A4 (solute carrier family 26 member 4; plus strand). Cytogenetic location: 7q22.3.
Variant type: Deletion.
Coding change: c.349del on transcript NM_000441.2 (MANE Select); coding-DNA position 349, one base deleted (C; older notation c.349delC).
Protein change: p.Leu117fs; shifts the reading frame from leucine 117.
Molecular consequence: frameshift variant.
Genome position (GRCh38, 1-based): chr7:107,672,182, C deleted. VCF-style (leftmost placement, unchanged base first): chr7-107672181-TC-T. GRCh37 (hg19) VCF-style: chr7-107312626-TC-T.
Other names: short protein forms L117fs.
Identifiers: ClinVar variation 551863 (VCV000551863.8), dbSNP rs1275009555, ClinGen allele CA577030178.
Genomic context (GRCh38, chr7:107,672,181, plus strand): 5'-TTTGCATGTGCTTTCAGGGATGGCATATGCCCTACTAGCTGCAGTTCCTGTCGGATATGG[TC>T]TCTACTCTGCTTTTTTCCCTATCCTGACATACTTTATCTTTGGAACATCAAGACATATCT-3'